The following is an entry in ClinVar:

NM_000091.5(COL4A3):c.2710G>A (p.Gly904Arg)

Genes: COL4A3 (collagen type IV alpha 3 chain; plus strand), MFF-DT (MFF divergent transcript; minus strand). Cytogenetic location: 2q36.3.
Variant type: single nucleotide variant.
Coding change: c.2710G>A on transcript NM_000091.5 (MANE Select); coding-DNA position 2710, G replaced by A.
Protein change: p.Gly904Arg; replaces glycine 904 with arginine.
Molecular consequence: missense variant.
Genome position (GRCh38, 1-based): chr2:227,283,820, G>A. VCF-style: chr2-227283820-G-A. GRCh37 (hg19) VCF-style: chr2-228148536-G-A.
Other names: short protein forms G904R.
Identifiers: ClinVar variation 4071756 (VCV004071756.5).
Genomic context (GRCh38, chr2:227,283,820, plus strand): 5'-TCCATAGGTGAAGATGGAGTGATTGGGATGATGGGCTTTCCTGGAGCCATTGGCCCTCCA[G>A]GGCCCCCTGGGAACCCAGGCACACCAGGGCAGAGGGGTAAGTGATAGAGTGTCTTTCTAA-3'
Protein context (NP_000082.2, residues 894-914): MGFPGAIGPP[Gly904Arg]PPGNPGTPGQ

ClinVar aggregate classification (germline): Conflicting classifications of pathogenicity. Review status: criteria provided, conflicting classifications (1 of 4 stars). 4 submissions from 4 submitters: Likely pathogenic (2); Uncertain significance (2). Last evaluated 2026-05-05.

Conditions:
Alport syndrome. Also called: Hemorrhagic familial nephritis; Hemorrhagic hereditary nephritis; Congenital hereditary hematuria. Identifiers: Orphanet 63, MedGen C1567741, MONDO:0018965.

gnomAD v4.1: 2 of 1,614,182 alleles (0.00012%); highest among the groups gnomAD compares: Non-Finnish European, 0.00017%; no homozygotes.

Submissions (4):

Myriad Genetics, Inc.
Classification: Uncertain significance for Alport syndrome. Last evaluated: 2026-05-05. Review status: criteria provided, single submitter. Criteria: Myriad Autosomal Dominant, Autosomal Recessive and X-Linked Classification Criteria (2023). Collection method: clinical testing. Allele origin: unknown.
Comment: NM_000091.4(COL4A3):c.2710G>A(G904R) is a missense variant classified as a variant of uncertain significance in the context of Alport syndrome, COL4A3-related. G904R has not been observed in cases with relevant disease. Relevant functional assessments of this variant are not available in the literature. G904R has not been observed in referenced population frequency databases. In summary, there is insufficient evidence to classify NM_000091.4(COL4A3):c.2710G>A(G904R) as pathogenic or benign. Please note: this variant was assessed in the context of healthy population screening.

GeneDx
Classification: Likely pathogenic. Last evaluated: 2025-08-28. Review status: criteria provided, single submitter. Criteria: GeneDx Variant Classification Process June 2021. Collection method: clinical testing. Allele origin: germline.
Comment: Affects a glycine residue in a Gly-X-Y motif in the triple helical region of the COL4A3 gene, where the majority of pathogenic missense variants occur, and is predicted to disrupt normal protein folding and function (HGMD; PMID: 10752524); Not observed at significant frequency in large population cohorts (gnomAD); In silico analysis supports that this missense variant has a deleterious effect on protein structure/function; Has not been previously published as pathogenic or benign to our knowledge; This variant is associated with the following publications: (PMID: 10752524)

Natera, Inc.
Classification: Likely pathogenic for Alport syndrome. Last evaluated: 2025-08-22. Review status: criteria provided, single submitter. Criteria: Natera Variant Classification Schema (03/2026). Collection method: clinical testing. Allele origin: germline.
Comment: The c.2710G>A variant in COL4A3 is a missense variant predicted to cause substitution of glycine to arginine at amino acid 904. This variant is rare in the general population with a frequency below the threshold expected for the associated phenotype(s). This variant is located in a functionally critical region of the protein. Computational prediction algorithms indicate this variant is likely to affect gene or protein function. Given the available evidence, this variant is classified as Likely Pathogenic.

Labcorp Genetics (formerly Invitae), Labcorp
Classification: Uncertain significance. Last evaluated: 2025-06-10. Review status: criteria provided, single submitter. Criteria: Invitae Variant Classification Sherloc (09022015). Collection method: clinical testing. Allele origin: germline.
Comment: This sequence change replaces glycine, which is neutral and non-polar, with arginine, which is basic and polar, at codon 904 of the COL4A3 protein (p.Gly904Arg). This variant is not present in population databases (gnomAD no frequency). This variant has not been reported in the literature in individuals affected with COL4A3-related conditions. Invitae Evidence Modeling of protein sequence and biophysical properties (such as structural, functional, and spatial information, amino acid conservation, physicochemical variation, residue mobility, and thermodynamic stability) indicates that this missense variant is expected to disrupt COL4A3 protein function with a positive predictive value of 80%. In summary, the available evidence is currently insufficient to determine the role of this variant in disease. Therefore, it has been classified as a Variant of Uncertain Significance.